The following is an entry in ClinVar:

ClinVar aggregate classification (germline): Uncertain significance. Review status: reviewed by expert panel (3 of 4 stars). 2 submissions from 2 submitters: Uncertain significance (1). 1 of the submissions does not count toward it. Last evaluated 2026-02-06.

Conditions:
Maturity-onset diabetes of the young type 3. Also called: MODY type 3; MODY, type III. Identifiers: Orphanet 552, MedGen C1838100, MeSH C563933, MONDO:0010894, OMIM 600496. Disease mechanism: loss of function.
Monogenic diabetes. Identifiers: Orphanet 183625, MedGen C3888631, MONDO:0015967.

Submissions (2):

ClinGen Monogenic Diabetes Variant Curation Expert Panel
Classification: Uncertain significance for Monogenic diabetes. Last evaluated: 2026-02-06. Review status: reviewed by expert panel. Criteria: ClinGen Diabetes ACMG Specifications HNF1A V3.1.0. Collection method: curation. Allele origin: germline. Inheritance: Autosomal dominant inheritance.
Comment: The c.613A>C variant in the HNF1 homeobox A gene, HNF1A, causes an amino acid change of lysine to glutamine at codon 205 (p.(Lys205Gln)) of NM_000545.8. This variant is predicted to be deleterious by computational evidence, with a REVEL score of 0.867, which is greater than the MDEP threshold of 0.70 (PP3). Additionally, this variant resides in an amino acid within the HNF1α DNA binding domain that directly binds DNA, which is defined as critical for the protein’s function by the ClinGen MDEP (PM1). This variant is absent from gnomAD v4.1.0 (PM2_Supporting). Functional studies demonstrated the p.Lys205Gln protein has nuclear transactivation below 40% of wildtype, indicating that this variant impacts protein function (PS3_Supporting, PMID: 10585442). In summary, c.613A>C meets the criteria to be classified as a variant of uncertain significance for monogenic diabetes. ACMG/AMP criteria applied, as specified by the ClinGen MDEP (specification version 3.1.0, approved 10/10/2025): PP3, PM1, PM2_Supporting, PS3_Supporting.

3billion
Classification: Uncertain significance for Maturity-onset diabetes of the young type 3. Last evaluated: 2024-06-15. Review status: criteria provided, single submitter. Criteria: ACMG Guidelines, 2015. Collection method: clinical testing. Allele origin: germline. Affected: yes. Not counted in ClinVar's aggregate classification.
Comment: The variant is not observed in the gnomAD v4.0.0 dataset. Predicted Consequence/Location: The variant is located in a mutational hot spot and/or well-established functional domain in which established pathogenic variants have been reported (PMID: 12453420, PMID). Functional studies provide supporting evidence of the variant having a damaging effect on the gene or gene product (PMID: 10585442). In silico tool predictions suggest damaging effect of the variant on gene or gene product [REVEL: 0.87 (>=0.6, sensitivity 0.68 and specificity 0.92); 3Cnet: 0.93 (>=0.6, sensitivity 0.72 and precision 0.9)]. The same nucleotide change resulting in the same amino acid change has been previously reported to be associated with HNF1A related disorder (PMID: 9287053).The variant has been reported to co-segregate with the disease in at least 3 similarly affected relatives/individuals in the same family or similarly affected unrelated families (PMID: 9287053). Therefore, this variant is classified as VUS according to the recommendation of ACMG/AMP guideline.

Literature cited by the submitters: PubMed 10585442 (cited by ClinGen Monogenic Diabetes Variant Curation Expert Panel and 3billion); PubMed 9287053 (cited by 3billion).

NM_000545.8(HNF1A):c.613A>C (p.Lys205Gln)

Gene: HNF1A (HNF1 homeobox A; plus strand). Cytogenetic location: 12q24.31.
Variant type: single nucleotide variant.
Coding change: c.613A>C on transcript NM_000545.8 (MANE Select); coding-DNA position 613, A replaced by C.
Protein change: p.Lys205Gln; replaces lysine 205 with glutamine.
Molecular consequence: missense variant.
Genome position (GRCh38, 1-based): chr12:120,993,606, A>C. VCF-style: chr12-120993606-A-C. GRCh37 (hg19) VCF-style: chr12-121431409-A-C.
Other names: NM_001306179.2:c.613A>C; c.613A>C, p.Lys205Gln (NM_001306179.2); short protein forms K205Q.
Identifiers: ClinVar variation 1699993 (VCV001699993.3), dbSNP rs2135839309, ClinGen allele CA386964305.